The following is an entry in ClinVar:

ClinVar aggregate classification (germline): Likely pathogenic (1 of 4 stars; one submission).

Conditions:
TP63-Related Spectrum Disorders.

Submission:

Labcorp Genetics (formerly Invitae), Labcorp
Classification: Likely pathogenic. Last evaluated: 2021-05-09. Review status: criteria provided, single submitter. Criteria: Invitae Variant Classification Sherloc (09022015). Collection method: clinical testing. Allele origin: germline.
Comment: In summary, the currently available evidence indicates that the variant is pathogenic, but additional data are needed to prove that conclusively. Therefore, this variant has been classified as Likely Pathogenic. This variant disrupts the p.Arg266 amino acid residue in TP63. Other variant(s) that disrupt this residue have been determined to be pathogenic (PMID: 11462173). This suggests that this residue is clinically significant, and that variants that disrupt this residue are likely to be disease-causing. This sequence change replaces arginine with leucine at codon 266 of the TP63 protein (p.Arg266Leu). The arginine residue is highly conserved and there is a moderate physicochemical difference between arginine and leucine. Algorithms developed to predict the effect of missense changes on protein structure and function (SIFT, PolyPhen-2, Align-GVGD) all suggest that this variant is likely to be disruptive, but these predictions have not been confirmed by published functional studies and their clinical significance is uncertain. This variant has been observed in individual(s) affected with clinical features of TP63-related conditions (Invitae). This variant is not present in population databases (ExAC no frequency).

Literature cited by the submitters: PubMed 11462173.

NM_003722.5(TP63):c.797G>T (p.Arg266Leu)

Gene: TP63 (tumor protein p63; plus strand). Cytogenetic location: 3q28.
Variant type: single nucleotide variant.
Coding change: c.797G>T on transcript NM_003722.5 (MANE Select); coding-DNA position 797, G replaced by T.
Protein change: p.Arg266Leu; replaces arginine 266 with leucine.
Molecular consequence: missense variant.
Genome position (GRCh38, 1-based): chr3:189,866,712, G>T. VCF-style: chr3-189866712-G-T. GRCh37 (hg19) VCF-style: chr3-189584501-G-T.
Other names: c.797G>T, p.Arg266Leu (NM_001114978.2, NM_001114979.2, NM_001329144.2 and 1 more transcripts); c.515G>T, p.Arg172Leu (NM_001114980.2, NM_001114981.2, NM_001114982.2 and 2 more transcripts); c.260G>T, p.Arg87Leu (NM_001329146.2, NM_001329150.2); c.791G>T, p.Arg264Leu (NM_001329964.2); short protein forms R87L, R172L, R264L, R266L.
Identifiers: ClinVar variation 1486558 (VCV001486558.7), dbSNP rs121908849, ClinGen allele CA355754419.